The following is an entry in ClinVar:

NM_005343.4(HRAS):c.91G>C (p.Glu31Gln)

Genes: HRAS (HRas proto-oncogene, GTPase; minus strand), LRRC56 (leucine rich repeat containing 56; plus strand). Cytogenetic location: 11p15.5.
Variant type: single nucleotide variant.
Coding change: c.91G>C on transcript NM_005343.4 (MANE Select); coding-DNA position 91, G replaced by C.
Protein change: p.Glu31Gln; replaces glutamic acid 31 with glutamine.
Molecular consequence: missense variant. On other transcripts: 5 prime UTR variant (1).
Genome position (GRCh38, 1-based): chr11:534,232, C>G on the plus strand (G>C on the coding strand, the complement: HRAS is on the minus strand). VCF-style: chr11-534232-C-G. GRCh37 (hg19) VCF-style: chr11-534232-C-G.
Other names: c.91G>C, p.Glu31Gln (NM_001130442.3, NM_176795.5); c.-229G>C (NM_001318054.2); short protein forms E31Q.
Identifiers: ClinVar variation 2827173 (VCV002827173.3), dbSNP rs2133994335, ClinGen allele CA378925029.

ClinVar aggregate classification (germline): Uncertain significance (1 of 4 stars; one submission).

Conditions:
Costello syndrome (CSTLO). Also called: FACIOCUTANEOSKELETAL SYNDROME; FCS SYNDROME; HRAS-Related Costello Syndrome. Identifiers: Orphanet 3071, MedGen C0587248, MONDO:0009026, OMIM 218040.

Submission:

Labcorp Genetics (formerly Invitae), Labcorp
Classification: Uncertain significance for Costello syndrome. Last evaluated: 2024-07-25. Review status: criteria provided, single submitter. Criteria: Invitae Variant Classification Sherloc (09022015). Collection method: clinical testing. Allele origin: germline.
Comment: This sequence change replaces glutamic acid, which is acidic and polar, with glutamine, which is neutral and polar, at codon 31 of the HRAS protein (p.Glu31Gln). This variant is not present in population databases (gnomAD no frequency). This variant has not been reported in the literature in individuals affected with HRAS-related conditions. Advanced modeling of protein sequence and biophysical properties (such as structural, functional, and spatial information, amino acid conservation, physicochemical variation, residue mobility, and thermodynamic stability) performed at Invitae indicates that this missense variant is not expected to disrupt HRAS protein function with a negative predictive value of 95%. In summary, the available evidence is currently insufficient to determine the role of this variant in disease. Therefore, it has been classified as a Variant of Uncertain Significance.